The following is an entry in ClinVar:

ClinVar aggregate classification (germline): Uncertain significance. Review status: criteria provided, multiple submitters, no conflicts (2 of 4 stars). 4 submissions from 4 submitters: Uncertain significance (4). Last evaluated 2024-07-06.

Conditions:
Inborn genetic diseases. Identifiers: MedGen C0950123, MeSH D030342.

Allele frequency attached by ClinVar (database versions not stated): gnomAD exomes 0.00003; ExAC 0.00005; ESP Exome Variant Server 0.00008; gnomAD 0.00018 and 0.00020; TOPMed 0.00021.
gnomAD v4.1: 84 of 1,586,636 alleles (0.0053%); highest among the groups gnomAD compares: African/African-American, 0.091%; 3 homozygotes.

Submissions (4):

Blueprint Genetics
Classification: Uncertain significance. Last evaluated: 2024-07-06. Review status: criteria provided, single submitter. Criteria: ACMG Guidelines, 2015. Collection method: clinical testing. Allele origin: germline.

Women's Health and Genetics/Laboratory Corporation of America, LabCorp
Classification: Uncertain significance. Last evaluated: 2024-04-21. Review status: criteria provided, single submitter. Criteria: LabCorp Variant Classification Summary - May 2015. Collection method: clinical testing. Allele origin: germline.

Labcorp Genetics (formerly Invitae), Labcorp
Classification: Uncertain significance. Last evaluated: 2024-01-24. Review status: criteria provided, single submitter. Criteria: Invitae Variant Classification Sherloc (09022015). Collection method: clinical testing. Allele origin: germline.
Comment: This sequence change falls in intron 11 of the CWC27 gene. It does not directly change the encoded amino acid sequence of the CWC27 protein. It affects a nucleotide within the consensus splice site. This variant is present in population databases (rs373435795, gnomAD 0.03%). This variant has not been reported in the literature in individuals affected with CWC27-related conditions. ClinVar contains an entry for this variant (Variation ID: 960542). Variants that disrupt the consensus splice site are a relatively common cause of aberrant splicing (PMID: 17576681, 9536098). Algorithms developed to predict the effect of sequence changes on RNA splicing suggest that this variant is not likely to affect RNA splicing. In summary, the available evidence is currently insufficient to determine the role of this variant in disease. Therefore, it has been classified as a Variant of Uncertain Significance.

Ambry Genetics
Classification: Uncertain significance for Inborn genetic diseases. Last evaluated: 2021-06-22. Review status: criteria provided, single submitter. Criteria: Ambry Variant Classification Scheme 2023. Collection method: clinical testing. Allele origin: germline.
Comment: The c.1042+5G>A intronic alteration consists of a G to A substitution 5 nucleotides after exon 11 of the CWC27 gene. Based on insufficient or conflicting evidence, the clinical significance of this alteration remains unclear.

Literature cited by the submitters: PubMed 17576681 (cited by Labcorp Genetics (formerly Invitae), Labcorp); PubMed 9536098 (cited by Labcorp Genetics (formerly Invitae), Labcorp).

NM_005869.4(CWC27):c.1042+5G>A

Gene: CWC27 (CWC27 spliceosome associated cyclophilin; plus strand). Cytogenetic location: 5q12.3.
Variant type: single nucleotide variant.
Coding change: c.1042+5G>A on transcript NM_005869.4 (MANE Select); 5 bases into the intron after coding-DNA position 1042, G replaced by A.
Molecular consequence: intron variant.
Genome position (GRCh38, 1-based): chr5:64,885,551, G>A. VCF-style: chr5-64885551-G-A. GRCh37 (hg19) VCF-style: chr5-64181378-G-A.
Other names: c.1042+5G>A (NM_001297644.1, NM_001364478.1, NM_005869.2).
Identifiers: ClinVar variation 960542 (VCV000960542.8), dbSNP rs373435795, ClinGen allele CA3282190.